The following is an entry in ClinVar:

NM_004304.5(ALK):c.359C>T (p.Ala120Val)

Gene: ALK (ALK receptor tyrosine kinase; minus strand). Cytogenetic location: 2p23.1.
Variant type: single nucleotide variant.
Coding change: c.359C>T on transcript NM_004304.5 (MANE Select); coding-DNA position 359, C replaced by T.
Protein change: p.Ala120Val; replaces alanine 120 with valine.
Molecular consequence: missense variant.
Genome position (GRCh38, 1-based): chr2:29,920,301, G>A on the plus strand (C>T on the coding strand, the complement: ALK is on the minus strand). VCF-style: chr2-29920301-G-A. GRCh37 (hg19) VCF-style: chr2-30143167-G-A.
Other names: c.359C>T (NM_004304.4); short protein forms A120V.
Identifiers: ClinVar variation 2044637 (VCV002044637.5), dbSNP rs1572503333, ClinGen allele CA346590191.

ClinVar aggregate classification (germline): Uncertain significance. Review status: criteria provided, multiple submitters, no conflicts (2 of 4 stars). 2 submissions from 2 submitters: Uncertain significance (2). Last evaluated 2026-04-28.

Conditions:
Hereditary cancer-predisposing syndrome. Also called: Neoplastic Syndromes, Hereditary; Tumor predisposition; Hereditary Cancer Syndrome; Hereditary neoplastic syndrome. Identifiers: Orphanet 140162, MedGen C0027672, MeSH D009386, MONDO:0015356.
Neuroblastoma, susceptibility to, 3. Also called: ALK-Related Neuroblastic Tumor Susceptibility. Identifiers: Orphanet 635, MedGen C2751681, MONDO:0013083, OMIM 613014.

Submissions (2):

Ambry Genetics
Classification: Uncertain significance for Hereditary cancer-predisposing syndrome. Last evaluated: 2026-04-28. Review status: criteria provided, single submitter. Criteria: Ambry Variant Classification Scheme 2023. Collection method: clinical testing. Allele origin: germline.
Comment: The p.A120V variant (also known as c.359C>T), located in coding exon 1 of the ALK gene, results from a C to T substitution at nucleotide position 359. The alanine at codon 120 is replaced by valine, an amino acid with similar properties. This amino acid position is conserved. In addition, this alteration is predicted to be tolerated by in silico analysis. Based on the available evidence, the clinical significance of this variant remains unclear.

Labcorp Genetics (formerly Invitae), Labcorp
Classification: Uncertain significance for Neuroblastoma, susceptibility to, 3. Last evaluated: 2025-07-30. Review status: criteria provided, single submitter. Criteria: Invitae Variant Classification Sherloc (09022015). Collection method: clinical testing. Allele origin: germline.
Comment: This sequence change replaces alanine, which is neutral and non-polar, with valine, which is neutral and non-polar, at codon 120 of the ALK protein (p.Ala120Val). This variant is not present in population databases (gnomAD no frequency). This variant has not been reported in the literature in individuals affected with ALK-related conditions. ClinVar contains an entry for this variant (Variation ID: 2044637). An algorithm developed to predict the effect of missense changes on protein structure and function outputs the following: PolyPhen-2: "Benign". The valine amino acid residue is found in multiple mammalian species, which suggests that this missense change does not adversely affect protein function. In summary, the available evidence is currently insufficient to determine the role of this variant in disease. Therefore, it has been classified as a Variant of Uncertain Significance.